The following is an entry in ClinVar:

NM_002471.4(MYH6):c.4845G>T (p.Arg1615Ser)

Genes: MYH6 (myosin heavy chain 6; minus strand), LOC126861896 (BRD4-independent group 4 enhancer GRCh37_chr14:23854904-23856103; plus strand). Cytogenetic location: 14q11.2.
Variant type: single nucleotide variant.
Coding change: c.4845G>T on transcript NM_002471.4 (MANE Select); coding-DNA position 4845, G replaced by T.
Protein change: p.Arg1615Ser; replaces arginine 1615 with serine.
Molecular consequence: missense variant.
Genome position (GRCh38, 1-based): chr14:23,386,429, C>A on the plus strand (G>T on the coding strand, the complement: MYH6 is on the minus strand). VCF-style: chr14-23386429-C-A. GRCh37 (hg19) VCF-style: chr14-23855638-C-A.
Other names: short protein forms R1615S.
Identifiers: ClinVar variation 2587172 (VCV002587172.3), dbSNP rs755604948, ClinGen allele CA388991573.
Genomic context (GRCh38, chr14:23,386,429, plus strand): 5'-GTTGGCGTGGCTGAGCTGGATCTCCATCTCATTGAGGTCTCCTTCCATCTTCTTCTTCAC[C>A]CTCAGGACCTCGTTGCGGCTGCGTGTCTCTGCATCCAGGGAGGTCTGCAGCGAGTCCACC-3'
Protein context (NP_002462.2, residues 1605-1625): AETRSRNEVL[Arg1615Ser]VKKKMEGDLN

ClinVar aggregate classification (germline): Uncertain significance. Review status: criteria provided, multiple submitters, no conflicts (2 of 4 stars). 2 submissions from 2 submitters: Uncertain significance (2). Last evaluated 2024-12-12.

Conditions:
Cardiovascular phenotype. Identifiers: MedGen CN230736.
Dilated cardiomyopathy 1EE (CMD1EE). Identifiers: Orphanet 154, MedGen C2750466, MONDO:0013198, OMIM 613252.

Submissions (2):

3billion
Classification: Uncertain significance for Dilated cardiomyopathy 1EE. Last evaluated: 2024-12-12. Review status: criteria provided, single submitter. Criteria: ACMG Guidelines, 2015. Collection method: clinical testing. Allele origin: germline. Affected: yes.
Comment: The variant is not observed in the gnomAD v4.1.0 dataset. Predicted Consequence/Location: Missense variant In silico tool predictions suggest damaging effect of the variant on gene or gene product [REVEL: 0.73 (>=0.6, sensitivity 0.68 and specificity 0.92); 3Cnet: 0.74 (>=0.6, sensitivity 0.72 and precision 0.9)]. The variant has been reported as of uncertain significance (ClinVar ID: VCV002587172). Therefore, this variant is classified as VUS according to the recommendation of ACMG/AMP guideline.

Ambry Genetics
Classification: Uncertain significance for Cardiovascular phenotype. Last evaluated: 2023-06-22. Review status: criteria provided, single submitter. Criteria: Ambry Variant Classification Scheme 2023. Collection method: clinical testing. Allele origin: germline.
Comment: The p.R1615S variant (also known as c.4845G>T), located in coding exon 31 of the MYH6 gene, results from a G to T substitution at nucleotide position 4845. The arginine at codon 1615 is replaced by serine, an amino acid with dissimilar properties. This amino acid position is conserved. In addition, this alteration is predicted to be deleterious by in silico analysis. Since supporting evidence is limited at this time, the clinical significance of this alteration remains unclear.